The following is an entry in ClinVar:

ClinVar aggregate classification (germline): Conflicting classifications of pathogenicity. Review status: criteria provided, conflicting classifications (1 of 4 stars). 5 submissions from 5 submitters: Uncertain significance (3); Likely benign (1). 1 of the submissions does not count toward it. Last evaluated 2026-01-19.

Conditions:
Usher syndrome type 1B (USH1B). Also called: Usher syndrome type IB. Identifiers: MedGen C1848638, MONDO:0700087.
Inborn genetic diseases. Identifiers: MedGen C0950123, MeSH D030342.

Allele frequency attached by ClinVar (database versions not stated): TOPMed 0.00002; gnomAD 0.00004; gnomAD exomes 0.00004 and 0.00008; ESP Exome Variant Server 0.00008; ExAC 0.00023.
gnomAD v4.1: 66 of 1,578,318 alleles (0.0042%); highest among the groups gnomAD compares: South Asian, 0.019%; 1 homozygote.

Submissions (5):

Labcorp Genetics (formerly Invitae), Labcorp
Classification: Likely benign. Last evaluated: 2026-01-19. Review status: criteria provided, single submitter. Criteria: Invitae Variant Classification Sherloc (09022015). Collection method: clinical testing. Allele origin: germline.

Ambry Genetics
Classification: Uncertain significance for Inborn genetic diseases. Last evaluated: 2025-08-24. Review status: criteria provided, single submitter. Criteria: Ambry Variant Classification Scheme 2023. Collection method: clinical testing. Allele origin: germline.

GeneDx
Classification: Uncertain significance. Last evaluated: 2023-01-12. Review status: criteria provided, single submitter. Criteria: GeneDx Variant Classification Process June 2021. Collection method: clinical testing. Allele origin: germline. Affected: yes.
Comment: In silico analysis supports that this missense variant does not alter protein structure/function; Has not been previously published as pathogenic or benign to our knowledge

Blueprint Genetics
Classification: Uncertain significance. Last evaluated: 2022-07-13. Review status: criteria provided, single submitter. Criteria: ACMG Guidelines, 2015. Collection method: clinical testing. Allele origin: germline.

Natera, Inc.
Classification: Uncertain significance for Usher syndrome type 1B. Last evaluated: 2020-04-17. Review status: no assertion criteria provided. Collection method: clinical testing. Allele origin: germline. Not counted in ClinVar's aggregate classification.

NM_000260.4(MYO7A):c.6426T>A (p.Asp2142Glu)

Gene: MYO7A (myosin VIIA; plus strand). Cytogenetic location: 11q13.5.
Variant type: single nucleotide variant.
Coding change: c.6426T>A on transcript NM_000260.4 (MANE Select); coding-DNA position 6426, T replaced by A.
Protein change: p.Asp2142Glu; replaces aspartic acid 2142 with glutamic acid.
Molecular consequence: missense variant.
Genome position (GRCh38, 1-based): chr11:77,213,023, T>A. VCF-style: chr11-77213023-T-A. GRCh37 (hg19) VCF-style: chr11-76924068-T-A.
Other names: c.6306T>A, p.Asp2102Glu (NM_001127180.2); c.6279T>A, p.Asp2093Glu (NM_001369365.1); short protein forms D2093E, D2142E, D2102E.
Identifiers: ClinVar variation 833677 (VCV000833677.19), dbSNP rs374575441, ClinGen allele CA6199059.
Genomic context (GRCh38, chr11:77,213,023, plus strand): 5'-GCCAAACTTCCCTGAGATCCTCCTAATTGCCATCAACAAGTATGGGGTCAGCCTCATCGA[T>A]CCCAAAACGAAGGTGAGCAGGGATAAGGCAGCAAGTGGGGGCGGGCTTCTCTGCCTGAAC-3'
Protein context (NP_000251.3, residues 2132-2152): AINKYGVSLI[Asp2142Glu]PKTKDILTTH